The following is an entry in ClinVar:

ClinVar aggregate classification (germline): Likely benign (1 of 4 stars; one submission).

gnomAD v4.1: 11 of 1,614,118 alleles (0.00068%); highest among the groups gnomAD compares: South Asian, 0.0044%; no homozygotes.

Submission:

CeGaT Center for Human Genetics Tuebingen
Classification: Likely benign. Last evaluated: 2024-10-01. Review status: criteria provided, single submitter. Criteria: CeGaT Center For Human Genetics Tuebingen Variant Classification Criteria Version 2. Collection method: clinical testing. Allele origin: germline. Affected: yes. Observed: 1 variant allele.
Comment: ZNF462: BS2

NM_021224.6(ZNF462):c.4789G>A (p.Glu1597Lys)

Gene: ZNF462 (zinc finger protein 462; plus strand). Cytogenetic location: 9q31.2.
Variant type: single nucleotide variant.
Coding change: c.4789G>A on transcript NM_021224.6 (MANE Select); coding-DNA position 4789, G replaced by A.
Protein change: p.Glu1597Lys; replaces glutamic acid 1597 with lysine.
Molecular consequence: missense variant. On other transcripts: intron variant (1).
Genome position (GRCh38, 1-based): chr9:106,928,701, G>A. VCF-style: chr9-106928701-G-A. GRCh37 (hg19) VCF-style: chr9-109690982-G-A.
Other names: c.3252+1537G>A (NM_001347997.2); short protein forms E1597K.
Identifiers: ClinVar variation 3388265 (VCV003388265.14).